The following is an entry in ClinVar:

ClinVar aggregate classification (germline): Uncertain significance (1 of 4 stars; one submission).

Submission:

Labcorp Genetics (formerly Invitae), Labcorp
Classification: Uncertain significance. Last evaluated: 2024-04-02. Review status: criteria provided, single submitter. Criteria: Invitae Variant Classification Sherloc (09022015). Collection method: clinical testing. Allele origin: germline.
Comment: This sequence change replaces serine, which is neutral and polar, with threonine, which is neutral and polar, at codon 1005 of the POLE protein (p.Ser1005Thr). This variant is not present in population databases (gnomAD no frequency). This variant has not been reported in the literature in individuals affected with POLE-related conditions. Advanced modeling of protein sequence and biophysical properties (such as structural, functional, and spatial information, amino acid conservation, physicochemical variation, residue mobility, and thermodynamic stability) performed at Invitae indicates that this missense variant is not expected to disrupt POLE protein function with a negative predictive value of 80%. In summary, the available evidence is currently insufficient to determine the role of this variant in disease. Therefore, it has been classified as a Variant of Uncertain Significance.

NM_006231.4(POLE):c.3013T>A (p.Ser1005Thr)

Gene: POLE (DNA polymerase epsilon, catalytic subunit; minus strand). Cytogenetic location: 12q24.33.
Variant type: single nucleotide variant.
Coding change: c.3013T>A on transcript NM_006231.4 (MANE Select); coding-DNA position 3013, T replaced by A.
Protein change: p.Ser1005Thr; replaces serine 1005 with threonine.
Molecular consequence: missense variant.
Genome position (GRCh38, 1-based): chr12:132,661,016, A>T on the plus strand (T>A on the coding strand, the complement: POLE is on the minus strand). VCF-style: chr12-132661016-A-T. GRCh37 (hg19) VCF-style: chr12-133237602-A-T.
Other names: short protein forms S1005T.
Identifiers: ClinVar variation 3648423 (VCV003648423.2).